The following is an entry in ClinVar:

ClinVar aggregate classification (germline): Uncertain significance (0 of 4 stars; one submission).

Conditions:
PSEN2-related disorder. Also called: PSEN2-related condition.

Submission:

PreventionGenetics, part of Exact Sciences
Classification: Uncertain significance for PSEN2-related condition. Last evaluated: 2024-05-15. Review status: no assertion criteria provided. Collection method: clinical testing. Allele origin: germline.
Comment: The PSEN2 c.421A>G variant is predicted to result in the amino acid substitution p.Asn141Asp. This variant was reported in an individual with Alzheimer disease (Table S2, Wang et al. 2019. PubMed ID: 30954774). This variant has not been reported in a large population database, indicating this variant is rare. At this time, the clinical significance of this variant is uncertain due to the absence of conclusive functional and genetic evidence.

NM_000447.3(PSEN2):c.421A>G (p.Asn141Asp)

Gene: PSEN2 (presenilin 2; plus strand). Cytogenetic location: 1q42.13.
Variant type: single nucleotide variant.
Coding change: c.421A>G on transcript NM_000447.3 (MANE Select); coding-DNA position 421, A replaced by G.
Protein change: p.Asn141Asp; replaces asparagine 141 with aspartic acid.
Molecular consequence: missense variant.
Genome position (GRCh38, 1-based): chr1:226,885,602, A>G. VCF-style: chr1-226885602-A-G. GRCh37 (hg19) VCF-style: chr1-227073303-A-G.
Other names: c.421A>G, p.Asn141Asp (NM_012486.3); short protein forms N141D.
Identifiers: ClinVar variation 3347468 (VCV003347468.1).
Genomic context (GRCh38, chr1:226,885,602, plus strand): 5'-TACACGCCATTCACTGAGGACACACCCTCGGTGGGCCAGCGCCTCCTCAACTCCGTGCTG[A>G]ACACCCTCATCATGATCAGCGTCATCGTGGTTATGACCATCTTCTTGGTGGTGCTCTACA-3'
Protein context (NP_000438.2, residues 131-151): VGQRLLNSVL[Asn141Asp]TLIMISVIVV